The following is an entry in ClinVar:

ClinVar aggregate classification (germline): Conflicting classifications of pathogenicity. Review status: criteria provided, conflicting classifications (1 of 4 stars). 2 submissions from 2 submitters: Uncertain significance (1); Likely benign (1). Last evaluated 2025-08-25.

Conditions:
Cardiomyopathy (CMYO). Also called: Cardiomyopathies. Identifiers: Orphanet 167848, MedGen C0878544, MONDO:0004994, HP:0001638. Inheritance: Various modes of inheritance.
Cardiovascular phenotype. Identifiers: MedGen CN230736.

Submissions (2):

Color Diagnostics, LLC DBA Color Health
Classification: Uncertain significance for Cardiomyopathy. Last evaluated: 2025-08-25. Review status: criteria provided, single submitter. Criteria: ACMG Guidelines, 2015. Collection method: clinical testing. Allele origin: germline.
Comment: This missense variant replaces leucine with valine at codon 206 of the TMEM43 protein. Computational prediction suggests that this variant may not impact protein structure and function. To our knowledge, functional studies have not been reported for this variant. This variant has not been reported in individuals affected with TMEM43-related disorders in the literature. This variant has not been identified in the general population by the Genome Aggregation Database (gnomAD). The available evidence is insufficient to determine the role of this variant in disease conclusively. Therefore, this variant is classified as a Variant of Uncertain Significance.

Ambry Genetics
Classification: Likely benign for Cardiovascular phenotype. Last evaluated: 2025-07-15. Review status: criteria provided, single submitter. Criteria: Ambry Variant Classification Scheme 2023. Collection method: clinical testing. Allele origin: germline.

NM_024334.3(TMEM43):c.616C>G (p.Leu206Val)

Gene: TMEM43 (transmembrane protein 43; plus strand). Cytogenetic location: 3p25.1.
Variant type: single nucleotide variant.
Coding change: c.616C>G on transcript NM_024334.3 (MANE Select); coding-DNA position 616, C replaced by G.
Protein change: p.Leu206Val; replaces leucine 206 with valine.
Molecular consequence: missense variant.
Genome position (GRCh38, 1-based): chr3:14,134,802, C>G. VCF-style: chr3-14134802-C-G. GRCh37 (hg19) VCF-style: chr3-14176302-C-G.
Other names: c.619C>G, p.Leu207Val (NM_001407274.1); c.616C>G, p.Leu206Val (NM_001407275.1, NM_001407276.1, NM_001407277.1 and 1 more transcripts); c.601C>G, p.Leu201Val (NM_001407278.1); c.466C>G, p.Leu156Val (NM_001407280.1); short protein forms L156V, L206V, L201V, L207V.
Identifiers: ClinVar variation 4187004 (VCV004187004.2).
Genomic context (GRCh38, chr3:14,134,802, plus strand): 5'-GGGTTTCTAACCACTCTGGTCCCCTCAGGCCTCATCGACAAAGTCGACAACTTCAAGTCC[C>G]TGAGCCTATCCAAGCTGGAGGACCCTCATGTGGACATCATTCGCCGTGGAGACTTTTTCT-3'
Protein context (NP_077310.1, residues 196-216): LIDKVDNFKS[Leu206Val]SLSKLEDPHV